The following is an entry in ClinVar:

NM_001987.5(ETV6):c.337C>G (p.Leu113Val)

Gene: ETV6 (ETS variant transcription factor 6; plus strand). Cytogenetic location: 12p13.2.
Variant type: single nucleotide variant.
Coding change: c.337C>G on transcript NM_001987.5 (MANE Select); coding-DNA position 337, C replaced by G.
Protein change: p.Leu113Val; replaces leucine 113 with valine.
Molecular consequence: missense variant.
Genome position (GRCh38, 1-based): chr12:11,853,435, C>G. VCF-style: chr12-11853435-C-G. GRCh37 (hg19) VCF-style: chr12-12006369-C-G.
Other names: c.334C>G, p.Leu112Val (NM_001413913.1); c.310C>G, p.Leu104Val (NM_001413914.1); c.73C>G, p.Leu25Val (NM_001413915.1); c.337C>G, p.Leu113Val (NM_001413916.1, NM_001413917.1); short protein forms L113V, L25V, L104V, L112V.
Identifiers: ClinVar variation 5036199 (VCV005036199.1).

ClinVar aggregate classification (germline): Uncertain significance (1 of 4 stars; one submission).

Conditions:
Inborn genetic diseases. Identifiers: MedGen C0950123, MeSH D030342.

Submission:

Ambry Genetics
Classification: Uncertain significance for Inborn genetic diseases. Last evaluated: 2026-07-07. Review status: criteria provided, single submitter. Criteria: Ambry Variant Classification Scheme 2023. Collection method: clinical testing. Allele origin: germline.
Comment: The p.L113V variant (also known as c.337C>G), located in coding exon 4 of the ETV6 gene, results from a C to G substitution at nucleotide position 337. The leucine at codon 113 is replaced by valine, an amino acid with highly similar properties. This amino acid position is conserved. In addition, the in silico prediction for this alteration is inconclusive. Based on the available evidence, the clinical significance of this variant remains unclear.